The following is an entry in ClinVar:

NM_001211.6(BUB1B):c.2343C>G (p.Phe781Leu)

Gene: BUB1B (BUB1 mitotic checkpoint serine/threonine kinase B; plus strand). Cytogenetic location: 15q15.1.
Variant type: single nucleotide variant.
Coding change: c.2343C>G on transcript NM_001211.6 (MANE Select); coding-DNA position 2343, C replaced by G.
Protein change: p.Phe781Leu; replaces phenylalanine 781 with leucine.
Molecular consequence: missense variant.
Genome position (GRCh38, 1-based): chr15:40,210,168, C>G. VCF-style: chr15-40210168-C-G. GRCh37 (hg19) VCF-style: chr15-40502369-C-G.
Other names: short protein forms F781L.
Identifiers: ClinVar variation 1789900 (VCV001789900.4), dbSNP rs751776754, ClinGen allele CA7476016.

ClinVar aggregate classification (germline): Uncertain significance. Review status: criteria provided, multiple submitters, no conflicts (2 of 4 stars). 2 submissions from 2 submitters: Uncertain significance (2). Last evaluated 2024-07-23.

Conditions:
Inborn genetic diseases. Identifiers: MedGen C0950123, MeSH D030342.
Mosaic variegated aneuploidy syndrome 1 (MVA1). Also called: Warburton-Anyane-Yeboa syndrome. Identifiers: Orphanet 1052, MedGen C1850343, MONDO:0009759, OMIM 257300.

Allele frequency attached by ClinVar (database versions not stated): gnomAD exomes below 0.00001; gnomAD 0.00001; ExAC 0.00002; TOPMed 0.00002.
gnomAD v4.1: 5 of 1,612,398 alleles (0.00031%); highest among the groups gnomAD compares: African/African-American, 0.0067%; no homozygotes.

Submissions (2):

Labcorp Genetics (formerly Invitae), Labcorp
Classification: Uncertain significance for Mosaic variegated aneuploidy syndrome 1. Last evaluated: 2024-07-23. Review status: criteria provided, single submitter. Criteria: Invitae Variant Classification Sherloc (09022015). Collection method: clinical testing. Allele origin: germline.
Comment: This sequence change replaces phenylalanine, which is neutral and non-polar, with leucine, which is neutral and non-polar, at codon 781 of the BUB1B protein (p.Phe781Leu). This variant is present in population databases (rs751776754, gnomAD 0.01%). This variant has not been reported in the literature in individuals affected with BUB1B-related conditions. ClinVar contains an entry for this variant (Variation ID: 1789900). An algorithm developed to predict the effect of missense changes on protein structure and function (PolyPhen-2) suggests that this variant is likely to be tolerated. In summary, the available evidence is currently insufficient to determine the role of this variant in disease. Therefore, it has been classified as a Variant of Uncertain Significance.

Ambry Genetics
Classification: Uncertain significance for Inborn genetic diseases. Last evaluated: 2021-09-23. Review status: criteria provided, single submitter. Criteria: Ambry Variant Classification Scheme 2023. Collection method: clinical testing. Allele origin: germline.
Comment: The p.F781L variant (also known as c.2343C>G), located in coding exon 18 of the BUB1B gene, results from a C to G substitution at nucleotide position 2343. The phenylalanine at codon 781 is replaced by leucine, an amino acid with highly similar properties. This amino acid position is conserved. In addition, this alteration is predicted to be tolerated by in silico analysis. Since supporting evidence is limited at this time, the clinical significance of this alteration remains unclear.